The following is an entry in ClinVar:

ClinVar aggregate classification (germline): Uncertain significance (1 of 4 stars; one submission).

Conditions:
Hajdu-Cheney syndrome (HJCYS). Also called: ACROOSTEOLYSIS WITH OSTEOPOROSIS AND CHANGES IN SKULL AND MANDIBLE; Acroosteolysis dominant type; SERPENTINE FIBULA-POLYCYSTIC KIDNEY SYNDROME. Identifiers: Orphanet 955, MedGen C0917715, MONDO:0007057, OMIM 102500.

Allele frequency attached by ClinVar (database versions not stated): gnomAD exomes below 0.00001; ExAC 0.00001.
gnomAD v4.1: 6 of 1,614,004 alleles (0.00037%); highest among the groups gnomAD compares: South Asian, 0.0011%; no homozygotes.

Submission:

Labcorp Genetics (formerly Invitae), Labcorp
Classification: Uncertain significance for Hajdu-Cheney syndrome. Last evaluated: 2023-09-23. Review status: criteria provided, single submitter. Criteria: Invitae Variant Classification Sherloc (09022015). Collection method: clinical testing. Allele origin: germline.
Comment: This sequence change replaces methionine, which is neutral and non-polar, with valine, which is neutral and non-polar, at codon 927 of the NOTCH2 protein (p.Met927Val). This variant is present in population databases (rs782350554, gnomAD 0.002%). This variant has not been reported in the literature in individuals affected with NOTCH2-related conditions. Advanced modeling of protein sequence and biophysical properties (such as structural, functional, and spatial information, amino acid conservation, physicochemical variation, residue mobility, and thermodynamic stability) performed at Invitae indicates that this missense variant is not expected to disrupt NOTCH2 protein function. In summary, the available evidence is currently insufficient to determine the role of this variant in disease. Therefore, it has been classified as a Variant of Uncertain Significance.

NM_024408.4(NOTCH2):c.2779A>G (p.Met927Val)

Gene: NOTCH2 (notch receptor 2; minus strand). Cytogenetic location: 1p12.
Variant type: single nucleotide variant.
Coding change: c.2779A>G on transcript NM_024408.4 (MANE Select); coding-DNA position 2779, A replaced by G.
Protein change: p.Met927Val; replaces methionine 927 with valine.
Molecular consequence: missense variant.
Genome position (GRCh38, 1-based): chr1:119,941,728, T>C on the plus strand (A>G on the coding strand, the complement: NOTCH2 is on the minus strand). VCF-style: chr1-119941728-T-C. GRCh37 (hg19) VCF-style: chr1-120484351-T-C.
Other names: c.2779A>G, p.Met927Val (NM_001200001.2); short protein forms M927V.
Identifiers: ClinVar variation 2980300 (VCV002980300.3), dbSNP rs782350554, ClinGen allele CA1040201.
Genomic context (GRCh38, chr1:119,941,728, plus strand): 5'-GGCACTTATCCCCAGTGAAACCCGGAAGGCAGAGGCAGGAGAAAGTATTCACTCCATCCA[T>C]ACAGGAACCTCCATTCTGGCAAGGATCTAAGCCATTACAAAAGAATTAGACCTCTGAAGA-3'
Protein context (NP_077719.2, residues 917-937): ANPCQNGGSC[Met927Val]DGVNTFSCLC